The following is an entry in ClinVar:

NM_002224.4(ITPR3):c.446G>A (p.Arg149Gln)

Gene: ITPR3 (inositol 1,4,5-trisphosphate receptor type 3; plus strand). Cytogenetic location: 6p21.31.
Variant type: single nucleotide variant.
Coding change: c.446G>A on transcript NM_002224.4 (MANE Select); coding-DNA position 446, G replaced by A.
Protein change: p.Arg149Gln; replaces arginine 149 with glutamine.
Molecular consequence: missense variant.
Genome position (GRCh38, 1-based): chr6:33,658,746, G>A. VCF-style: chr6-33658746-G-A. GRCh37 (hg19) VCF-style: chr6-33626523-G-A.
Other names: short protein forms R149Q.
Identifiers: ClinVar variation 4823270 (VCV004823270.4).

ClinVar aggregate classification (germline): Uncertain significance (1 of 4 stars; one submission).

Submission:

CeGaT Center for Human Genetics Tuebingen
Classification: Uncertain significance. Last evaluated: 2026-02-01. Review status: criteria provided, single submitter. Criteria: CeGaT Center For Human Genetics Tuebingen Variant Classification Criteria Version 2. Collection method: clinical testing. Allele origin: germline. Affected: yes. Observed: 1 variant allele.
Comment: ITPR3: PM2, PP3